The following is an entry in ClinVar:

ClinVar aggregate classification (germline): Uncertain significance (1 of 4 stars; one submission).

Conditions:
Cardiovascular phenotype. Identifiers: MedGen CN230736.

gnomAD v4.1: 1 of 1,567,194 alleles (0.000064%); highest among the groups gnomAD compares: East Asian, 0.0022%; no homozygotes.

Submission:

Ambry Genetics
Classification: Uncertain significance for Cardiovascular phenotype. Last evaluated: 2023-10-03. Review status: criteria provided, single submitter. Criteria: Ambry Variant Classification Scheme 2023. Collection method: clinical testing. Allele origin: germline.
Comment: The c.9368-2A>C intronic variant results from an A to C substitution two nucleotides upstream from coding exon 66 in the RYR2 gene. This nucleotide position is highly conserved in available vertebrate species. In silico splice site analysis predicts that this alteration will weaken the native splice acceptor site. Alterations that disrupt the canonical splice site are expected to cause aberrant splicing, resulting in an abnormal protein or a transcript that is subject to nonsense-mediated mRNA decay. However, loss of function of RYR2 has not been established as a mechanism of disease. Since supporting evidence is limited at this time, the clinical significance of this alteration remains unclear.

NM_001035.3(RYR2):c.9368-2A>C

Gene: RYR2 (ryanodine receptor 2; plus strand). Cytogenetic location: 1q43.
Variant type: single nucleotide variant.
Coding change: c.9368-2A>C on transcript NM_001035.3 (MANE Select); the canonical splice acceptor site of the intron before coding-DNA position 9368, A replaced by C.
Molecular consequence: splice acceptor variant.
Genome position (GRCh38, 1-based): chr1:237,701,976, A>C. VCF-style: chr1-237701976-A-C. GRCh37 (hg19) VCF-style: chr1-237865276-A-C.
Identifiers: ClinVar variation 3232416 (VCV003232416.1), dbSNP rs2547374400, ClinGen allele CA345406275.